The following is an entry in ClinVar:

ClinVar aggregate classification (germline): Pathogenic. Review status: criteria provided, single submitter (1 of 4 stars). 2 submissions from 2 submitters: Pathogenic (1). 1 of the submissions does not count toward it. Last evaluated 2023-11-08.

Conditions:
Bernard-Soulier syndrome, type A2, autosomal dominant (BSSA2). Also called: Bernard-Soulier syndrome, type A2 (dominant). Identifiers: Orphanet 274, MedGen C3277076, MONDO:0007930, OMIM 153670.
GP1BA-related disorders.

Submissions (2):

Blueprint Genetics
Classification: Pathogenic for GP1BA-related disorders. Last evaluated: 2023-11-08. Review status: criteria provided, single submitter. Criteria: ACMG Guidelines, 2015. Collection method: clinical testing. Allele origin: germline. Affected: yes. Observed: 5 variant alleles.

ISTH-SSC Genomics in Thrombosis and Hemostasis, KU Leuven, Center for Molecular and Vascular Biology
Classification: Likely pathogenic for Bernard-Soulier syndrome, type A2, autosomal dominant. Review status: no assertion criteria provided. Collection method: research. Allele origin: germline. Affected: yes. Not counted in ClinVar's aggregate classification.
Comment: Submitted to GoldVariant by Eva Leinoe from Genomic medicine, Rigshospitalet, Copenhagen, Denmark

NM_000173.7(GP1BA):c.98G>A (p.Cys33Tyr)

Gene: GP1BA (glycoprotein Ib platelet subunit alpha; plus strand). Cytogenetic location: 17p13.2.
Variant type: single nucleotide variant.
Coding change: c.98G>A on transcript NM_000173.7 (MANE Select); coding-DNA position 98, G replaced by A.
Protein change: p.Cys33Tyr; replaces cysteine 33 with tyrosine.
Molecular consequence: missense variant.
Genome position (GRCh38, 1-based): chr17:4,932,702, G>A. VCF-style: chr17-4932702-G-A. GRCh37 (hg19) VCF-style: chr17-4835997-G-A.
Other names: short protein forms C33Y.
Identifiers: ClinVar variation 1684403 (VCV001684403.2), dbSNP rs1597638300, ClinGen allele CA397314343.
Genomic context (GRCh38, chr17:4,932,702, plus strand): 5'-CCTTACACCCCCACCCCATCTGTGAGGTCTCCAAAGTGGCCAGCCACCTAGAAGTGAACT[G>A]TGACAAGAGGAATCTGACAGCGCTGCCTCCAGACCTGCCGAAAGACACAACCATCCTCCA-3'
Protein context (NP_000164.5, residues 23-43): SKVASHLEVN[Cys33Tyr]DKRNLTALPP